The following is an entry in ClinVar:

NM_024537.4(CARS2):c.1195C>T (p.Leu399Phe)

Gene: CARS2 (cysteinyl-tRNA synthetase 2, mitochondrial; minus strand). Cytogenetic location: 13q34.
Variant type: single nucleotide variant.
Coding change: c.1195C>T on transcript NM_024537.4 (MANE Select); coding-DNA position 1195, C replaced by T.
Protein change: p.Leu399Phe; replaces leucine 399 with phenylalanine.
Molecular consequence: missense variant. On other transcripts: non-coding transcript variant (2).
Genome position (GRCh38, 1-based): chr13:110,646,089, G>A on the plus strand (C>T on the coding strand, the complement: CARS2 is on the minus strand). VCF-style: chr13-110646089-G-A. GRCh37 (hg19) VCF-style: chr13-111298436-G-A.
Other names: c.409C>T, p.Leu137Phe (NM_001352252.2); c.1195C>T (NM_024537.2); short protein forms L399F, L137F.
Identifiers: ClinVar variation 861108 (VCV000861108.8), dbSNP rs202176952, ClinGen allele CA7051864.

ClinVar aggregate classification (germline): Uncertain significance. Review status: criteria provided, multiple submitters, no conflicts (2 of 4 stars). 2 submissions from 2 submitters: Uncertain significance (2). Last evaluated 2025-03-03.

Conditions:
Combined oxidative phosphorylation defect type 27. Also called: Combined oxidative phosphorylation deficiency 27. Identifiers: Orphanet 477774, MedGen C5567608, MONDO:0014728, OMIM 616672.
Inborn genetic diseases. Identifiers: MedGen C0950123, MeSH D030342.

Allele frequency attached by ClinVar (database versions not stated): gnomAD 0.00007; ESP Exome Variant Server 0.00008; TOPMed 0.00008; ExAC 0.00009; gnomAD exomes 0.00009 and 0.00015.

Submissions (2):

Ambry Genetics
Classification: Uncertain significance for Inborn genetic diseases. Last evaluated: 2025-03-03. Review status: criteria provided, single submitter. Criteria: Ambry Variant Classification Scheme 2023. Collection method: clinical testing. Allele origin: germline.

Labcorp Genetics (formerly Invitae), Labcorp
Classification: Uncertain significance for Combined oxidative phosphorylation defect type 27. Last evaluated: 2025-01-22. Review status: criteria provided, single submitter. Criteria: Invitae Variant Classification Sherloc (09022015). Collection method: clinical testing. Allele origin: germline.
Comment: This sequence change replaces leucine, which is neutral and non-polar, with phenylalanine, which is neutral and non-polar, at codon 399 of the CARS2 protein (p.Leu399Phe). This variant is present in population databases (rs202176952, gnomAD 0.01%). This variant has not been reported in the literature in individuals affected with CARS2-related conditions. ClinVar contains an entry for this variant (Variation ID: 861108). An algorithm developed to predict the effect of missense changes on protein structure and function (PolyPhen-2) suggests that this variant is likely to be disruptive. In summary, the available evidence is currently insufficient to determine the role of this variant in disease. Therefore, it has been classified as a Variant of Uncertain Significance.